The following is an entry in ClinVar:

NM_004519.4(KCNQ3):c.1562C>G (p.Ala521Gly)

Gene: KCNQ3 (potassium voltage-gated channel subfamily Q member 3; minus strand). Cytogenetic location: 8q24.22.
Variant type: single nucleotide variant.
Coding change: c.1562C>G on transcript NM_004519.4 (MANE Select); coding-DNA position 1562, C replaced by G.
Protein change: p.Ala521Gly; replaces alanine 521 with glycine.
Molecular consequence: missense variant.
Genome position (GRCh38, 1-based): chr8:132,140,082, G>C on the plus strand (C>G on the coding strand, the complement: KCNQ3 is on the minus strand). VCF-style: chr8-132140082-G-C. GRCh37 (hg19) VCF-style: chr8-133152329-G-C.
Other names: c.1202C>G, p.Ala401Gly (NM_001204824.2); short protein forms A521G, A401G.
Identifiers: ClinVar variation 373612 (VCV000373612.2), dbSNP rs1057518505, ClinGen allele CA16042612.
Genomic context (GRCh38, chr8:132,140,082, plus strand): 5'-TTGAGCTGGAGCGGGGGAGGCACACAGGCACAGGTGGGACCGTGGGGGCATTACCTGACG[G>C]CTCGGATGGCGGCCTTCAGGGTGGGGATCATGTCTTCGATGGGGAAGTCATTCCCATAGC-3'
Protein context (NP_004510.1, residues 511-531): MIPTLKAAIR[Ala521Gly]VRILQFRLYK

ClinVar aggregate classification (germline): Uncertain significance. Review status: criteria provided, multiple submitters, no conflicts (2 of 4 stars). 2 submissions from 2 submitters: Uncertain significance (2). Last evaluated 2025-10-08.

Conditions:
KCNQ3-related disorder. Also called: KCNQ3-Related Disorders; KCNQ3-related condition. Identifiers: MedGen CN381530.

Allele frequency attached by ClinVar (database versions not stated): gnomAD 0.00001; TOPMed 0.00001.
gnomAD v4.1: 1 of 1,593,968 alleles (0.000063%); highest among the groups gnomAD compares: African/African-American, 0.0013%; no homozygotes.

Submissions (2):

PreventionGenetics, part of Exact Sciences
Classification: Uncertain significance for KCNQ3-related condition. Last evaluated: 2025-10-08. Review status: criteria provided, single submitter. Criteria: ACMG Guidelines, 2015. Collection method: clinical testing. Allele origin: germline.
Comment: The KCNQ3 c.1562C>G variant is predicted to result in the amino acid substitution p.Ala521Gly. To our knowledge, this variant has not been reported in the literature or in a large population database (gnomAD), indicating this variant is rare. At this time, the clinical significance of this variant is uncertain due to the absence of conclusive functional and genetic evidence.

GeneDx
Classification: Uncertain significance. Last evaluated: 2016-12-07. Review status: criteria provided, single submitter. Criteria: GeneDx Variant Classification (06012015). Collection method: clinical testing. Allele origin: germline. Affected: yes.
Comment: A variant of uncertain significance has been identified in the KCNQ3 gene. The A521G variant has not been published as a pathogenic variant, nor has it been reported as a benign variant to our knowledge. The A521G variant is not observed in large population cohorts (Lek et al., 2016; 1000 Genomes Consortium et al., 2015; Exome Variant Server). This substitution occurs at a position that is conserved across species and in silico analysis predicts this variant is probably damaging to the protein structure/function. However, the A521G variant is a conservative amino acid substitution, which is not likely to impact secondary protein structure as these residues share similar properties.Therefore, based on the currently available information, it is unclear whether this variant is a pathogenic variant or a rare benign variant.